The following is an entry in ClinVar:

NM_005412.6(SHMT2):c.1267G>A (p.Gly423Ser)

Gene: SHMT2 (serine hydroxymethyltransferase 2; plus strand). Cytogenetic location: 12q13.3.
Variant type: single nucleotide variant.
Coding change: c.1267G>A on transcript NM_005412.6 (MANE Select); coding-DNA position 1267, G replaced by A.
Protein change: p.Gly423Ser; replaces glycine 423 with serine.
Molecular consequence: missense variant. On other transcripts: non-coding transcript variant (4).
Genome position (GRCh38, 1-based): chr12:57,233,892, G>A. VCF-style: chr12-57233892-G-A. GRCh37 (hg19) VCF-style: chr12-57627675-G-A.
Other names: c.1237G>A, p.Gly413Ser (NM_001166356.2); c.1204G>A, p.Gly402Ser (NM_001166357.1, NM_001166358.2, NM_001166359.1); short protein forms G423S, G402S, G413S.
Identifiers: ClinVar variation 988633 (VCV000988633.2), dbSNP rs751223752, ClinGen allele CA6646619.

ClinVar aggregate classification (germline): no classifications from unflagged records (0 of 4 stars; one submission).

Conditions:
Neurodevelopmental disorder with cardiomyopathy, spasticity, and brain abnormalities. Identifiers: MedGen C5436848, MONDO:0030866, OMIM 619121.

Allele frequency attached by ClinVar (database versions not stated): ExAC 0.00003; gnomAD exomes 0.00001 and 0.00002; TOPMed 0.00001; gnomAD 0.00003.
gnomAD v4.1: 22 of 1,614,078 alleles (0.0014%); highest among the groups gnomAD compares: East Asian, 0.0022%; no homozygotes.

Submission:

OMIM
Classification: Pathogenic for NEURODEVELOPMENTAL DISORDER WITH CARDIOMYOPATHY, SPASTICITY, AND BRAIN ABNORMALITIES. Last evaluated: 2020-12-14. Review status: flagged submission. Collection method: literature only. Allele origin: germline.
ClinVar note: Notes: Flagging candidate with reason of insufficient supporting evidence. This gene has been classified as having a limited gene-disease relationship by a ClinGen Expert Panel.
ClinVar note: Reason: P/LP classification for a variant in a gene with insufficient evidence for a gene-disease relationship

Literature cited by the submitters: PubMed 33015733.